The following is an entry in ClinVar:

ClinVar aggregate classification (germline): Uncertain significance. Review status: criteria provided, multiple submitters, no conflicts (2 of 4 stars). 6 submissions from 6 submitters: Uncertain significance (5). 1 of the submissions does not count toward it. Last evaluated 2024-02-20.

Conditions:
Epilepsy, progressive myoclonic, 1B. Also called: PME. Identifiers: Orphanet 308, MedGen C2676254, MONDO:0012904, OMIM 612437.

Allele frequency attached by ClinVar (database versions not stated): ExAC 0.00011; gnomAD exomes 0.00013 and 0.00016; TOPMed 0.00025; gnomAD 0.00011.
gnomAD v4.1: 203 of 1,614,048 alleles (0.013%); highest among the groups gnomAD compares: Admixed American, 0.055%; no homozygotes.

Submissions (6):

Fulgent Genetics
Classification: Uncertain significance for Epilepsy, progressive myoclonic, 1B. Last evaluated: 2024-02-20. Review status: criteria provided, single submitter. Criteria: ACMG Guidelines, 2015. Collection method: clinical testing. Allele origin: germline.

Labcorp Genetics (formerly Invitae), Labcorp
Classification: Uncertain significance for Epilepsy, progressive myoclonic, 1B. Last evaluated: 2023-12-18. Review status: criteria provided, single submitter. Criteria: Invitae Variant Classification Sherloc (09022015). Collection method: clinical testing. Allele origin: germline.
Comment: This sequence change replaces arginine, which is basic and polar, with glutamine, which is neutral and polar, at codon 534 of the PRICKLE1 protein (p.Arg534Gln). This variant is present in population databases (rs756192425, gnomAD 0.06%). This variant has not been reported in the literature in individuals affected with PRICKLE1-related conditions. ClinVar contains an entry for this variant (Variation ID: 281207). Advanced modeling of protein sequence and biophysical properties (such as structural, functional, and spatial information, amino acid conservation, physicochemical variation, residue mobility, and thermodynamic stability) performed at Invitae indicates that this missense variant is not expected to disrupt PRICKLE1 protein function with a negative predictive value of 80%. In summary, the available evidence is currently insufficient to determine the role of this variant in disease. Therefore, it has been classified as a Variant of Uncertain Significance.

Ambry Genetics
Classification: Uncertain significance. Last evaluated: 2019-03-29. Review status: criteria provided, single submitter. Criteria: Ambry Variant Classification Scheme 2023. Collection method: clinical testing. Allele origin: germline.
Comment: The p.R534Q variant (also known as c.1601G>A), located in coding exon 6 of the PRICKLE1 gene, results from a G to A substitution at nucleotide position 1601. The arginine at codon 534 is replaced by glutamine, an amino acid with highly similar properties. This nucleotide position is highly conserved in available vertebrate species. This amino acid position is well conserved in available vertebrate species. In addition, this alteration is predicted to be tolerated by in silico analysis. Since supporting evidence is limited at this time, the clinical significance of this alteration remains unclear.

Athena Diagnostics
Classification: Uncertain significance. Last evaluated: 2017-05-08. Review status: criteria provided, single submitter. Criteria: Athena Diagnostics Criteria. Collection method: clinical testing. Allele origin: germline.

Eurofins Ntd Llc (ga)
Classification: Uncertain significance. Last evaluated: 2015-12-02. Review status: criteria provided, single submitter. Criteria: EGL Classification Definitions 2015. Collection method: clinical testing. Allele origin: germline. Observed: 2 variant alleles, 2 heterozygotes.

Clinical Molecular Genetics Laboratory, Johns Hopkins All Children's Hospital
Classification: Uncertain significance. Last evaluated: 2017-09-01. Review status: no assertion criteria provided. Collection method: clinical testing. Allele origin: germline. Affected: yes. Not counted in ClinVar's aggregate classification.

NM_153026.3(PRICKLE1):c.1601G>A (p.Arg534Gln)

Gene: PRICKLE1 (prickle planar cell polarity protein 1; minus strand). Cytogenetic location: 12q12.
Variant type: single nucleotide variant.
Coding change: c.1601G>A on transcript NM_153026.3 (MANE Select); coding-DNA position 1601, G replaced by A.
Protein change: p.Arg534Gln; replaces arginine 534 with glutamine.
Molecular consequence: missense variant.
Genome position (GRCh38, 1-based): chr12:42,464,433, C>T on the plus strand (G>A on the coding strand, the complement: PRICKLE1 is on the minus strand). VCF-style: chr12-42464433-C-T. GRCh37 (hg19) VCF-style: chr12-42858235-C-T.
Other names: c.1601G>A, p.Arg534Gln (NM_001144881.2, NM_001144882.2, NM_001144883.2); short protein forms R534Q.
Identifiers: ClinVar variation 281207 (VCV000281207.14), dbSNP rs756192425, ClinGen allele CA6519735.